The following is an entry in ClinVar:

ClinVar aggregate classification (germline): Likely benign. Review status: criteria provided, multiple submitters, no conflicts (2 of 4 stars). 4 submissions from 4 submitters: Likely benign (3). 1 of the submissions does not count toward it. Last evaluated 2026-05-01.

Conditions:
PIEZO1-related disorder. Also called: PIEZO1-related condition; PIEZO1-Related Disorders.

Allele frequency attached by ClinVar (database versions not stated): ExAC 0.00010; gnomAD exomes 0.00012; gnomAD 0.00014; TOPMed 0.00015; 1000 Genomes Project 30x 0.00047; 1000 Genomes Project 0.00060.
gnomAD v4.1: 198 of 1,544,500 alleles (0.013%); highest among the groups gnomAD compares: Middle Eastern, 0.084%; no homozygotes.

Submissions (4):

CeGaT Center for Human Genetics Tuebingen
Classification: Likely benign. Last evaluated: 2026-05-01. Review status: criteria provided, single submitter. Criteria: CeGaT Center For Human Genetics Tuebingen Variant Classification Criteria Version 2. Collection method: clinical testing. Allele origin: germline. Affected: yes. Observed: 2 variant alleles.
Comment: PIEZO1: BP4, BP7

Labcorp Genetics (formerly Invitae), Labcorp
Classification: Likely benign. Last evaluated: 2025-06-12. Review status: criteria provided, single submitter. Criteria: Invitae Variant Classification Sherloc (09022015). Collection method: clinical testing. Allele origin: germline.

Blueprint Genetics
Classification: Likely benign. Last evaluated: 2024-10-15. Review status: criteria provided, single submitter. Criteria: ACMG Guidelines, 2015. Collection method: clinical testing. Allele origin: germline.

PreventionGenetics, part of Exact Sciences
Classification: Likely benign for PIEZO1-related condition. Last evaluated: 2024-07-17. Review status: no assertion criteria provided. Collection method: clinical testing. Allele origin: germline. Not counted in ClinVar's aggregate classification.
Comment: This variant is classified as likely benign based on ACMG/AMP sequence variant interpretation guidelines (Richards et al. 2015 PMID: 25741868, with internal and published modifications).

NM_001142864.4(PIEZO1):c.4245C>T (p.Ser1415=)

Gene: PIEZO1 (piezo type mechanosensitive ion channel component 1 (Er blood group); minus strand). Cytogenetic location: 16q24.3.
Variant type: single nucleotide variant.
Coding change: c.4245C>T on transcript NM_001142864.4 (MANE Select); coding-DNA position 4245, C replaced by T.
Protein change: p.Ser1415=; no amino-acid change (serine 1415 retained).
Molecular consequence: synonymous variant.
Genome position (GRCh38, 1-based): chr16:88,723,961, G>A on the plus strand (C>T on the coding strand, the complement: PIEZO1 is on the minus strand). VCF-style: chr16-88723961-G-A. GRCh37 (hg19) VCF-style: chr16-88790369-G-A.
Other names: c.4245C>T (NM_001142864.3); c.2787C>T, p.Ser929= (NM_014745.1).
Identifiers: ClinVar variation 2180272 (VCV002180272.14), dbSNP rs140278892, ClinGen allele CA8232209.